The following is an entry in ClinVar:

ClinVar aggregate classification (germline): Uncertain significance (1 of 4 stars; one submission).

Conditions:
Inborn genetic diseases. Identifiers: MedGen C0950123, MeSH D030342.

gnomAD v4.1: 1 of 1,613,172 alleles (0.000062%); highest among the groups gnomAD compares: Non-Finnish European, 0.000085%; no homozygotes.

Submission:

Ambry Genetics
Classification: Uncertain significance for Inborn genetic diseases. Last evaluated: 2025-11-04. Review status: criteria provided, single submitter. Criteria: Ambry Variant Classification Scheme 2023. Collection method: clinical testing. Allele origin: germline.
Comment: The p.G418E variant (also known as c.1253G>A), located in coding exon 10 of the CCM2 gene, results from a G to A substitution at nucleotide position 1253. The glycine at codon 418 is replaced by glutamic acid, an amino acid with similar properties. This amino acid position is conserved. In addition, this alteration is predicted to be tolerated by in silico analysis. Based on the available evidence, the clinical significance of this variant remains unclear.

NM_031443.4(CCM2):c.1253G>A (p.Gly418Glu)

Gene: CCM2 (CCM2 scaffold protein; plus strand). Cytogenetic location: 7p13.
Variant type: single nucleotide variant.
Coding change: c.1253G>A on transcript NM_031443.4 (MANE Select); coding-DNA position 1253, G replaced by A.
Protein change: p.Gly418Glu; replaces glycine 418 with glutamic acid.
Molecular consequence: missense variant. On other transcripts: non-coding transcript variant (1).
Genome position (GRCh38, 1-based): chr7:45,075,975, G>A. VCF-style: chr7-45075975-G-A. GRCh37 (hg19) VCF-style: chr7-45115574-G-A.
Other names: c.1316G>A, p.Gly439Glu (NM_001029835.2); c.1079G>A, p.Gly360Glu (NM_001167934.2); c.980G>A, p.Gly327Glu (NM_001167935.2); c.1376G>A, p.Gly459Glu (NM_001363458.2); c.1202G>A, p.Gly401Glu (NM_001363459.2); short protein forms G401E, G439E, G360E, G327E, G418E, G459E.
Identifiers: ClinVar variation 4607421 (VCV004607421.1).
Genomic context (GRCh38, chr7:45,075,975, plus strand): 5'-CCACCACCAATGGGAACAGGGCCACGGGCAGCTCTGATGACCGGTCGGCACCCTCAGAGG[G>A]GGATGAGTGGGACCGCATGATCTCGGACATCAGCAGCGACATTGAGGCGCTGGGCTGCAG-3'
Protein context (NP_113631.1, residues 408-428): SSDDRSAPSE[Gly418Glu]DEWDRMISDI